The following is an entry in ClinVar:

NM_001374828.1(ARID1B):c.595C>T (p.Gln199Ter)

Genes: ARID1B (AT-rich interaction domain 1B; plus strand), LOC115308161 (uncharacterized LOC115308161; minus strand). Cytogenetic location: 6q25.3.
Variant type: single nucleotide variant.
Coding change: c.595C>T on transcript NM_001374828.1 (MANE Select); coding-DNA position 595, C replaced by T.
Protein change: p.Gln199Ter; replaces glutamine 199 with a stop codon.
Molecular consequence: nonsense. On other transcripts: non-coding transcript variant (1).
Genome position (GRCh38, 1-based): chr6:156,778,275, C>T. VCF-style: chr6-156778275-C-T. GRCh37 (hg19) VCF-style: chr6-157099409-C-T.
Other names: c.595C>T, p.Gln199Ter (NM_001371656.1, NM_001374820.1, NM_017519.3); c.346C>T (NM_020732.3); short protein forms Q199*.
Identifiers: ClinVar variation 3340656 (VCV003340656.2).

ClinVar aggregate classification (germline): Likely pathogenic (1 of 4 stars; one submission).

Submission:

GeneDx
Classification: Likely pathogenic. Last evaluated: 2026-08-21. Review status: criteria provided, single submitter. Criteria: GeneDx Variant Classification Process June 2021. Collection method: clinical testing. Allele origin: germline.
Comment: Nonsense variant predicted to result in protein truncation or nonsense mediated decay in a gene for which loss of function is a known mechanism of disease; Not observed at significant frequency in large population cohorts (gnomAD); Has not been previously published as pathogenic or benign to our knowledge